The following is an entry in ClinVar:

NM_000551.4(VHL):c.*574T>C

Genes: VHL (von Hippel-Lindau tumor suppressor; plus strand), LOC107303340 (3p25 von Hippel-Lindau tumor suppressor, E3 ubiquitin protein ligase Alu-mediated recombination region; plus strand). Cytogenetic location: 3p25.3.
Variant type: single nucleotide variant.
Coding change: c.*574T>C on transcript NM_000551.4 (MANE Select); 574 bases downstream of the stop codon, T replaced by C.
Molecular consequence: 3 prime UTR variant.
Genome position (GRCh38, 1-based): chr3:10,150,539, T>C. VCF-style: chr3-10150539-T-C. GRCh37 (hg19) VCF-style: chr3-10192223-T-C.
Other names: c.*770T>C (NM_001354723.2); c.*574T>C (NM_198156.3).
Identifiers: ClinVar variation 342414 (VCV000342414.5), dbSNP rs143062510, ClinGen allele CA10616747.

ClinVar aggregate classification (germline): Benign (1 of 4 stars; one submission).

Conditions:
Von Hippel-Lindau syndrome (VHLS). Also called: Von Hippel-Lindau; von Hippel–Lindau syndrome; VHL syndrome. Identifiers: Orphanet 892, MedGen C0019562, MONDO:0008667, OMIM 193300. Disease mechanism: loss of function.

Allele frequency attached by ClinVar (database versions not stated): gnomAD 0.00195 and 0.00475; TOPMed 0.00377; gnomAD exomes 0.00469; 1000 Genomes Project 30x 0.02420; 1000 Genomes Project 0.02476.
gnomAD v4.1: 1,313 of 282,252 alleles (0.47%); highest among the groups gnomAD compares: South Asian, 7.2%; 38 homozygotes.

Submission:

Illumina Laboratory Services, Illumina
Classification: Benign for Von Hippel-Lindau syndrome. Last evaluated: 2018-01-13. Review status: criteria provided, single submitter. Criteria: ICSL Variant Classification Criteria 13 December 2019. Collection method: clinical testing. Allele origin: germline.
Comment: This variant was observed in the ICSL laboratory as part of a predisposition screen in an ostensibly healthy population. It had not been previously curated by ICSL or reported in the Human Gene Mutation Database (HGMD: prior to June 1st, 2018), and was therefore a candidate for classification through an automated scoring system. Utilizing variant allele frequency, disease prevalence and penetrance estimates, and inheritance mode, an automated score was calculated to assess if this variant is too frequent to cause the disease. Based on the score and internal cut-off values, a variant classified as benign is not then subjected to further curation. The score for this variant resulted in a classification of benign for this disease.